The following is an entry in ClinVar:

NM_006060.6(IKZF1):c.1300G>C (p.Ala434Pro)

Gene: IKZF1 (IKAROS family zinc finger 1; plus strand). Cytogenetic location: 7p12.2.
Variant type: single nucleotide variant.
Coding change: c.1300G>C on transcript NM_006060.6 (MANE Select); coding-DNA position 1300, G replaced by C.
Protein change: p.Ala434Pro; replaces alanine 434 with proline.
Molecular consequence: missense variant.
Genome position (GRCh38, 1-based): chr7:50,400,367, G>C. VCF-style: chr7-50400367-G-C. GRCh37 (hg19) VCF-style: chr7-50468065-G-C.
Other names: c.1174G>C, p.Ala392Pro (NM_001220765.3, NM_001291837.2); c.1009G>C, p.Ala337Pro (NM_001220767.2); c.1039G>C, p.Ala347Pro (NM_001220768.2, NM_001291838.2); c.883G>C, p.Ala295Pro (NM_001220770.2); c.871G>C, p.Ala291Pro (NM_001220771.2, NM_001291841.1); c.913G>C, p.Ala305Pro (NM_001291839.2); c.610G>C, p.Ala204Pro (NM_001291840.1); c.841G>C, p.Ala281Pro (NM_001291842.1); and 3 more; short protein forms A305P, A239P, A392P, A291P, A295P, A337P, A347P, A434P.
Identifiers: ClinVar variation 3698717 (VCV003698717.2).

ClinVar aggregate classification (germline): Uncertain significance (1 of 4 stars; one submission).

gnomAD v4.1: 2 of 1,612,970 alleles (0.00012%); highest among the groups gnomAD compares: South Asian, 0.0011%; no homozygotes.

Submission:

Labcorp Genetics (formerly Invitae), Labcorp
Classification: Uncertain significance. Last evaluated: 2025-09-23. Review status: criteria provided, single submitter. Criteria: Invitae Variant Classification Sherloc (09022015). Collection method: clinical testing. Allele origin: germline.
Comment: This sequence change replaces alanine, which is neutral and non-polar, with proline, which is neutral and non-polar, at codon 434 of the IKZF1 protein (p.Ala434Pro). This variant is not present in population databases (gnomAD no frequency). This variant has not been reported in the literature in individuals affected with IKZF1-related conditions. ClinVar contains an entry for this variant (Variation ID: 3698717). An algorithm developed to predict the effect of missense changes on protein structure and function outputs the following: PolyPhen-2: "Benign". The proline amino acid residue is found in multiple mammalian species, which suggests that this missense change does not adversely affect protein function. In summary, the available evidence is currently insufficient to determine the role of this variant in disease. Therefore, it has been classified as a Variant of Uncertain Significance.